The following is an entry in ClinVar:

ClinVar aggregate classification (germline): Conflicting classifications of pathogenicity. Review status: criteria provided, conflicting classifications (1 of 4 stars). 3 submissions from 3 submitters: Uncertain significance (2); Benign (1). Last evaluated 2025-12-24.

Conditions:
Primary ciliary dyskinesia. Also called: Ciliary dyskinesia. Identifiers: Orphanet 244, MedGen C0008780, MONDO:0016575, HP:0012265.

Allele frequency attached by ClinVar (database versions not stated): gnomAD 0.00003; TOPMed 0.00004; gnomAD exomes 0.00005; ExAC 0.00010.
gnomAD v4.1: 60 of 1,613,808 alleles (0.0037%); highest among the groups gnomAD compares: Non-Finnish European, 0.0049%; no homozygotes.

Submissions (3):

Labcorp Genetics (formerly Invitae), Labcorp
Classification: Benign for Primary ciliary dyskinesia. Last evaluated: 2025-12-24. Review status: criteria provided, single submitter. Criteria: Invitae Variant Classification Sherloc (09022015). Collection method: clinical testing. Allele origin: germline.

GeneDx
Classification: Uncertain significance. Last evaluated: 2025-04-01. Review status: criteria provided, single submitter. Criteria: GeneDx Variant Classification Process June 2021. Collection method: clinical testing. Allele origin: germline. Affected: yes.
Comment: In silico analysis supports that this missense variant has a deleterious effect on protein structure/function; Has not been previously published as pathogenic or benign to our knowledge

Ambry Genetics
Classification: Uncertain significance for Primary ciliary dyskinesia. Last evaluated: 2024-05-04. Review status: criteria provided, single submitter. Criteria: Ambry Variant Classification Scheme 2023. Collection method: clinical testing. Allele origin: germline.
Comment: The p.P4034A variant (also known as c.12100C>G), located in coding exon 74 of the DNAH11 gene, results from a C to G substitution at nucleotide position 12100. The proline at codon 4034 is replaced by alanine, an amino acid with highly similar properties. This amino acid position is highly conserved in available vertebrate species. In addition, the in silico prediction for this alteration is inconclusive. Since supporting evidence is limited at this time, the clinical significance of this alteration remains unclear.

NM_001277115.2(DNAH11):c.12100C>G (p.Pro4034Ala)

Gene: DNAH11 (dynein axonemal heavy chain 11; plus strand). Cytogenetic location: 7p15.3.
Variant type: single nucleotide variant.
Coding change: c.12100C>G on transcript NM_001277115.2 (MANE Select); coding-DNA position 12100, C replaced by G.
Protein change: p.Pro4034Ala; replaces proline 4034 with alanine.
Molecular consequence: missense variant.
Genome position (GRCh38, 1-based): chr7:21,873,406, C>G. VCF-style: chr7-21873406-C-G. GRCh37 (hg19) VCF-style: chr7-21913024-C-G.
Other names: short protein forms P4034A.
Identifiers: ClinVar variation 575284 (VCV000575284.13), dbSNP rs759056367, ClinGen allele CA4182967.
Genomic context (GRCh38, chr7:21,873,406, plus strand): 5'-AGAGATTACAGGGTTTTCATGAGTGCTGAGTCTGCACCTACACCAGATGAGCATATCATC[C>G]CTCAAGGACTCCTGGAAAATTCCATTAAGATCACTAATGAACCCCCAACAGGGATGCTGG-3'
Protein context (NP_001264044.1, residues 4024-4044): SAPTPDEHII[Pro4034Ala]QGLLENSIKI